The following is an entry in ClinVar:

NM_001110556.2(FLNA):c.2291G>A (p.Gly764Glu)

Gene: FLNA (filamin A; minus strand). Cytogenetic location: Xq28.
Variant type: single nucleotide variant.
Coding change: c.2291G>A on transcript NM_001110556.2 (MANE Select); coding-DNA position 2291, G replaced by A.
Protein change: p.Gly764Glu; replaces glycine 764 with glutamic acid.
Molecular consequence: missense variant.
Genome position (GRCh38, 1-based): chrX:154,362,774, C>T on the plus strand (G>A on the coding strand, the complement: FLNA is on the minus strand). VCF-style: chrX-154362774-C-T. GRCh37 (hg19) VCF-style: chrX-153591142-C-T.
Other names: c.2291G>A, p.Gly764Glu (NM_001456.4); short protein forms G764E.
Identifiers: ClinVar variation 3515880 (VCV003515880.1).
Genomic context (GRCh38, chrX:154,362,774, plus strand): 5'-AGCCCTGTCTTGGCTACTCCGGGGCCGTATACTTTGACCTTGTTGGGGTGGCTGCCAGCT[C>T]CCACATTCACCTGCAGGGCACAGGGGCAAGGGCAAGGGCATGAGCAGCCTGGAGGAGACT-3'
Protein context (NP_001104026.1, residues 754-774): IPNSPFRVNV[Gly764Glu]AGSHPNKVKV

ClinVar aggregate classification (germline): Uncertain significance (1 of 4 stars; one submission).

Conditions:
Familial thoracic aortic aneurysm and aortic dissection (TAAD). Also called: Thoracic aortic aneurysms and dissections. Identifiers: Orphanet 91387, MedGen C4707243, MONDO:0019625.

Submission:

Ambry Genetics
Classification: Uncertain significance for Familial thoracic aortic aneurysm and aortic dissection. Last evaluated: 2024-08-12. Review status: criteria provided, single submitter. Criteria: Ambry Variant Classification Scheme 2023. Collection method: clinical testing. Allele origin: germline.
Comment: The p.G764E variant (also known as c.2291G>A), located in coding exon 15 of the FLNA gene, results from a G to A substitution at nucleotide position 2291. The glycine at codon 764 is replaced by glutamic acid, an amino acid with similar properties. This amino acid position is highly conserved in available vertebrate species. In addition, this alteration is predicted to be deleterious by in silico analysis. Based on the available evidence, the clinical significance of this variant remains unclear.